The following is an entry in ClinVar:

ClinVar aggregate classification (germline): Uncertain significance. Review status: criteria provided, multiple submitters, no conflicts (2 of 4 stars). 2 submissions from 2 submitters: Uncertain significance (2). Last evaluated 2025-12-03.

Conditions:
Multiple endocrine neoplasia, type 1 (MEN1). Also called: MEN I; WERMER SYNDROME; Endocrine adenomatosis multiple; MEN 1; MEA I. Identifiers: Orphanet 652, MedGen C0025267, MeSH D018761, MONDO:0007540, OMIM 131100.
Hereditary cancer-predisposing syndrome. Also called: Tumor predisposition; Hereditary neoplastic syndrome; Neoplastic Syndromes, Hereditary; Hereditary Cancer Syndrome. Identifiers: Orphanet 140162, MedGen C0027672, MeSH D009386, MONDO:0015356.

Submissions (2):

Labcorp Genetics (formerly Invitae), Labcorp
Classification: Uncertain significance for Multiple endocrine neoplasia, type 1. Last evaluated: 2025-12-03. Review status: criteria provided, single submitter. Criteria: Invitae Variant Classification Sherloc (09022015). Collection method: clinical testing. Allele origin: germline.
Comment: This sequence change replaces alanine, which is neutral and non-polar, with serine, which is neutral and polar, at codon 91 of the MEN1 protein (p.Ala91Ser). This variant is not present in population databases (gnomAD no frequency). This variant has not been reported in the literature in individuals affected with MEN1-related conditions. ClinVar contains an entry for this variant (Variation ID: 1504540). Invitae Evidence Modeling of protein sequence and biophysical properties (such as structural, functional, and spatial information, amino acid conservation, physicochemical variation, residue mobility, and thermodynamic stability) indicates that this missense variant is not expected to disrupt MEN1 protein function with a negative predictive value of 95%. In summary, the available evidence is currently insufficient to determine the role of this variant in disease. Therefore, it has been classified as a Variant of Uncertain Significance.

Ambry Genetics
Classification: Uncertain significance for Hereditary cancer-predisposing syndrome. Last evaluated: 2022-11-25. Review status: criteria provided, single submitter. Criteria: Ambry Variant Classification Scheme 2023. Collection method: clinical testing. Allele origin: germline.
Comment: The p.A91S variant (also known as c.271G>T), located in coding exon 1 of the MEN1 gene, results from a G to T substitution at nucleotide position 271. The alanine at codon 91 is replaced by serine, an amino acid with similar properties. This amino acid position is conserved. In addition, the in silico prediction for this alteration is inconclusive. Since supporting evidence is limited at this time, the clinical significance of this alteration remains unclear.

NM_001370259.2(MEN1):c.271G>T (p.Ala91Ser)

Gene: MEN1 (menin 1; minus strand). Cytogenetic location: 11q13.1.
Variant type: single nucleotide variant.
Coding change: c.271G>T on transcript NM_001370259.2 (MANE Select); coding-DNA position 271, G replaced by T.
Protein change: p.Ala91Ser; replaces alanine 91 with serine.
Molecular consequence: missense variant.
Genome position (GRCh38, 1-based): chr11:64,809,839, C>A on the plus strand (G>T on the coding strand, the complement: MEN1 is on the minus strand). VCF-style: chr11-64809839-C-A. GRCh37 (hg19) VCF-style: chr11-64577311-C-A.
Other names: c.271G>T, p.Ala91Ser (NM_000244.4, NM_001370251.2, NM_001370260.2 and 9 more transcripts); c.271G>T (NM_130799.2); short protein forms A91S.
Identifiers: ClinVar variation 1504540 (VCV001504540.9), dbSNP rs2136186838, ClinGen allele CA381187512.